The following is an entry in ClinVar:

NM_000552.5(VWF):c.8295C>T (p.Asn2765=)

Gene: VWF (von Willebrand factor; minus strand). Cytogenetic location: 12p13.31.
Variant type: single nucleotide variant.
Coding change: c.8295C>T on transcript NM_000552.5 (MANE Select); coding-DNA position 8295, C replaced by T.
Protein change: p.Asn2765=; no amino-acid change (asparagine 2765 retained).
Molecular consequence: synonymous variant.
Genome position (GRCh38, 1-based): chr12:5,949,162, G>A on the plus strand (C>T on the coding strand, the complement: VWF is on the minus strand). VCF-style: chr12-5949162-G-A. GRCh37 (hg19) VCF-style: chr12-6058328-G-A.
Other names: NM_000552.5(VWF):c.8295C>T; p.Asn2765=.
Identifiers: ClinVar variation 2682133 (VCV002682133.4), dbSNP rs573289245, ClinGen allele CA6401337.

ClinVar aggregate classification (germline): Likely benign. Review status: reviewed by expert panel (3 of 4 stars). 3 submissions from 3 submitters: Likely benign (1). 2 of the submissions do not count toward it. Last evaluated 2025-06-03.

Conditions:
Hereditary von Willebrand disease. Identifiers: Orphanet 903, MedGen C5703318, MONDO:0019565. Inheritance: Autosomal recessive or Autosomal dominant.

Allele frequency attached by ClinVar (database versions not stated): ExAC 0.00002; TOPMed 0.00002; gnomAD 0.00004.
gnomAD v4.1: 35 of 1,614,268 alleles (0.0022%); highest among the groups gnomAD compares: South Asian, 0.0099%; no homozygotes.

Submissions (3):

ClinGen von Willebrand Disease Variant Curation Expert Panel, ClinGen
Classification: Likely benign for Hereditary von Willebrand disease. Last evaluated: 2025-06-03. Review status: reviewed by expert panel. Criteria: ClinGen VWD 2A B M Rules. Collection method: curation. Allele origin: germline.
Comment: The NM_000552.5(VWF):c.858C>T (p.Thr286=) variant is a synonymous that is not predicted by SpliceAI to impact splicing (delta scores <0.1). In addition, it occurs at a nucleotide that is not conserved as shown by phyloP score of 0.84 (BP4, BP7). The Grpmax filtering allele frequency in gnomAD v4.1 is 0.00005136 (based on 9/91086 alleles in the South Asian population), which is lower than the ClinGen VWD VCEP threshold of <0.0001 (PM2_supporting). No VWD patient has been identified with this variant. In summary, this variant meets the criteria to be classified as likely benign for hereditary VWD based on the application of ACMG/AMP criteria applied, as specified by the ClinGen VWD VCEP: PM2_supporting, BP4, BP7.

Quest Diagnostics Nichols Institute San Juan Capistrano
Classification: Uncertain significance. Last evaluated: 2025-05-07. Review status: criteria provided, single submitter. Criteria: Quest Diagnostics criteria. Collection method: clinical testing. Allele origin: unknown. Not counted in ClinVar's aggregate classification.
Comment: The VWF c.8295C>T (p.Asn2765=) synonymous variant has been reported in the published literature in an individual affected with Type 1 von Willebrand disease (vWD) (PMID: 39002731 (2024)). The frequency of this variant in the general population (Genome Aggregation Database) is uninformative in the assessment of its pathogenicity. Analysis of this variant using software algorithms for the prediction of the effect of nucleotide changes on splicing yielded predictions that this variant does not affect VWF mRNA splicing. Based on the available information, we are unable to determine the clinical significance of this variant.

ARUP Laboratories, Molecular Genetics and Genomics, ARUP Laboratories
Classification: Likely benign. Last evaluated: 2023-10-18. Review status: criteria provided, single submitter. Criteria: ARUP Molecular Germline Variant Investigation Process 2024. Collection method: clinical testing. Allele origin: germline. Not counted in ClinVar's aggregate classification.

Literature cited by the submitters: PubMed 39002731 (cited by Quest Diagnostics Nichols Institute San Juan Capistrano).